The following is an entry in ClinVar:

NM_002821.5(PTK7):c.79+402C>A

Gene: PTK7 (protein tyrosine kinase 7 (inactive); plus strand). Cytogenetic location: 6p21.1.
Variant type: single nucleotide variant.
Coding change: c.79+402C>A on transcript NM_002821.5 (MANE Select); 402 bases into the intron after coding-DNA position 79, C replaced by A.
Molecular consequence: intron variant. On other transcripts: missense variant (1).
Genome position (GRCh38, 1-based): chr6:43,076,969, C>A. VCF-style: chr6-43076969-C-A. GRCh37 (hg19) VCF-style: chr6-43044707-C-A.
Other names: c.86C>A, p.Pro29His (NM_001270398.2); c.79+402C>A (NM_152882.4, NM_152880.4, NM_152881.4); short protein forms P29H.
Identifiers: ClinVar variation 3050084 (VCV003050084.2), dbSNP rs192759295, ClinGen allele CA3815623.
Genomic context (GRCh38, chr6:43,076,969, plus strand): 5'-AAAGACCATCCGCACCCACCGTGGGGAGCGCGATGGAGAAAAAGGAATTCCCCACCCCAC[C>A]CGGCAGGGTCGGCCCAGGTAAGAGTTGCTGGTTTGGGGCCCGATGCCGGACAGACCTGCG-3'

ClinVar aggregate classification (germline): Benign (0 of 4 stars; one submission).

Conditions:
PTK7-related disorder. Also called: PTK7-related condition.

Allele frequency attached by ClinVar (database versions not stated): 1000 Genomes Project 0.00160; 1000 Genomes Project 30x 0.00172; ExAC 0.00264.
gnomAD v4.1: 7,156 of 1,508,026 alleles (0.47%); highest among the groups gnomAD compares: Non-Finnish European, 0.55%; 20 homozygotes.

Submission:

PreventionGenetics, part of Exact Sciences
Classification: Benign for PTK7-related condition. Last evaluated: 2019-09-18. Review status: no assertion criteria provided. Collection method: clinical testing. Allele origin: germline.
Comment: This variant is classified as benign based on ACMG/AMP sequence variant interpretation guidelines (Richards et al. 2015 PMID: 25741868, with internal and published modifications).